The following is an entry in ClinVar:

NM_003906.5(MCM3AP):c.3823C>T (p.Arg1275Trp)

Gene: MCM3AP (minichromosome maintenance complex component 3 associated protein; minus strand). Cytogenetic location: 21q22.3.
Variant type: single nucleotide variant.
Coding change: c.3823C>T on transcript NM_003906.5 (MANE Select); coding-DNA position 3823, C replaced by T.
Protein change: p.Arg1275Trp; replaces arginine 1275 with tryptophan.
Molecular consequence: missense variant.
Genome position (GRCh38, 1-based): chr21:46,256,898, G>A on the plus strand (C>T on the coding strand, the complement: MCM3AP is on the minus strand). VCF-style: chr21-46256898-G-A. GRCh37 (hg19) VCF-style: chr21-47676812-G-A.
Other names: short protein forms R1275W.
Identifiers: ClinVar variation 1924414 (VCV001924414.3), dbSNP rs866233507, ClinGen allele CA321983804.

ClinVar aggregate classification (germline): Uncertain significance. Review status: criteria provided, multiple submitters, no conflicts (2 of 4 stars). 2 submissions from 2 submitters: Uncertain significance (2). Last evaluated 2022-03-12.

Allele frequency attached by ClinVar (database versions not stated): gnomAD 0.00001; gnomAD exomes 0.00001; TOPMed 0.00003.
gnomAD v4.1: 14 of 1,606,944 alleles (0.00087%); highest among the groups gnomAD compares: African/African-American, 0.0027%; no homozygotes.

Submissions (2):

Labcorp Genetics (formerly Invitae), Labcorp
Classification: Uncertain significance. Last evaluated: 2022-03-12. Review status: criteria provided, single submitter. Criteria: Invitae Variant Classification Sherloc (09022015). Collection method: clinical testing. Allele origin: germline.
Comment: This sequence change replaces arginine, which is basic and polar, with tryptophan, which is neutral and slightly polar, at codon 1275 of the MCM3AP protein (p.Arg1275Trp). The frequency data for this variant in the population databases is considered unreliable, as metrics indicate poor data quality at this position in the gnomAD database. This variant has not been reported in the literature in individuals affected with MCM3AP-related conditions. Algorithms developed to predict the effect of missense changes on protein structure and function (SIFT, PolyPhen-2, Align-GVGD) all suggest that this variant is likely to be disruptive. In summary, the available evidence is currently insufficient to determine the role of this variant in disease. Therefore, it has been classified as a Variant of Uncertain Significance.

Blueprint Genetics
Classification: Uncertain significance. Last evaluated: 2022-02-23. Review status: criteria provided, single submitter. Criteria: ACMG Guidelines, 2015. Collection method: clinical testing. Allele origin: germline.